The following is an entry in ClinVar:

ClinVar aggregate classification (germline): Uncertain significance (0 of 4 stars; one submission).

Conditions:
TRPC5-related disorder. Also called: TRPC5-related condition.

gnomAD v4.1: 1 of 1,211,517 alleles (0.000083%); highest among the groups gnomAD compares: Non-Finnish European, 0.00011%; no homozygotes.

Submission:

PreventionGenetics, part of Exact Sciences
Classification: Uncertain significance for TRPC5-related condition. Last evaluated: 2024-05-25. Review status: no assertion criteria provided. Collection method: clinical testing. Allele origin: germline.
Comment: The TRPC5 c.778C>T variant is predicted to result in the amino acid substitution p.Arg260Trp. To our knowledge, this variant has not been reported in the literature or in a large population database, indicating this variant is rare. At this time, the clinical significance of this variant is uncertain due to the absence of conclusive functional and genetic evidence.

NM_012471.3(TRPC5):c.778C>T (p.Arg260Trp)

Gene: TRPC5 (transient receptor potential cation channel subfamily C member 5; minus strand). Cytogenetic location: Xq23.
Variant type: single nucleotide variant.
Coding change: c.778C>T on transcript NM_012471.3 (MANE Select); coding-DNA position 778, C replaced by T.
Protein change: p.Arg260Trp; replaces arginine 260 with tryptophan.
Molecular consequence: missense variant.
Genome position (GRCh38, 1-based): chrX:111,912,413, G>A on the plus strand (C>T on the coding strand, the complement: TRPC5 is on the minus strand). VCF-style: chrX-111912413-G-A. GRCh37 (hg19) VCF-style: chrX-111155641-G-A.
Other names: short protein forms R260W.
Identifiers: ClinVar variation 3344849 (VCV003344849.1).